The following is an entry in ClinVar:

NM_005633.4(SOS1):c.3481T>C (p.Ser1161Pro)

Gene: SOS1 (SOS Ras/Rac guanine nucleotide exchange factor 1; minus strand). Cytogenetic location: 2p22.1.
Variant type: single nucleotide variant.
Coding change: c.3481T>C on transcript NM_005633.4 (MANE Select); coding-DNA position 3481, T replaced by C.
Protein change: p.Ser1161Pro; replaces serine 1161 with proline.
Molecular consequence: missense variant.
Genome position (GRCh38, 1-based): chr2:38,987,502, A>G on the plus strand (T>C on the coding strand, the complement: SOS1 is on the minus strand). VCF-style: chr2-38987502-A-G. GRCh37 (hg19) VCF-style: chr2-39214643-A-G.
Other names: c.3460T>C, p.Ser1154Pro (NM_001382394.1); c.3436T>C, p.Ser1146Pro (NM_001382395.1); short protein forms S1146P, S1161P, S1154P.
Identifiers: ClinVar variation 2986912 (VCV002986912.4), dbSNP rs2528878749, ClinGen allele CA346359480.

ClinVar aggregate classification (germline): Uncertain significance. Review status: criteria provided, multiple submitters, no conflicts (2 of 4 stars). 2 submissions from 2 submitters: Uncertain significance (2). Last evaluated 2025-11-04.

Conditions:
Cardiovascular phenotype. Identifiers: MedGen CN230736.
RASopathy. Also called: Noonan spectrum disorder; rasopathies. Identifiers: Orphanet 536391, MedGen C5555857, MONDO:0021060.

Submissions (2):

Ambry Genetics
Classification: Uncertain significance for Cardiovascular phenotype. Last evaluated: 2025-11-04. Review status: criteria provided, single submitter. Criteria: Ambry Variant Classification Scheme 2023. Collection method: clinical testing. Allele origin: germline.
Comment: The p.S1161P variant (also known as c.3481T>C), located in coding exon 22 of the SOS1 gene, results from a T to C substitution at nucleotide position 3481. The serine at codon 1161 is replaced by proline, an amino acid with similar properties. This amino acid position is conserved. In addition, the in silico prediction for this alteration is inconclusive. Based on the available evidence, the clinical significance of this variant remains unclear.

Labcorp Genetics (formerly Invitae), Labcorp
Classification: Uncertain significance for RASopathy. Last evaluated: 2025-08-22. Review status: criteria provided, single submitter. Criteria: Invitae Variant Classification Sherloc (09022015). Collection method: clinical testing. Allele origin: germline.
Comment: This sequence change replaces serine, which is neutral and polar, with proline, which is neutral and non-polar, at codon 1161 of the SOS1 protein (p.Ser1161Pro). This variant is not present in population databases (gnomAD no frequency). This variant has not been reported in the literature in individuals affected with SOS1-related conditions. ClinVar contains an entry for this variant (Variation ID: 2986912). Invitae Evidence Modeling of protein sequence and biophysical properties (such as structural, functional, and spatial information, amino acid conservation, physicochemical variation, residue mobility, and thermodynamic stability) indicates that this missense variant is not expected to disrupt SOS1 protein function with a negative predictive value of 95%. In summary, the available evidence is currently insufficient to determine the role of this variant in disease. Therefore, it has been classified as a Variant of Uncertain Significance.